The following is an entry in ClinVar:

NM_022455.5(NSD1):c.3796G>A (p.Ala1266Thr)

Gene: NSD1 (nuclear receptor binding SET domain protein 1; plus strand). Cytogenetic location: 5q35.3.
Variant type: single nucleotide variant.
Coding change: c.3796G>A on transcript NM_022455.5 (MANE Select); coding-DNA position 3796, G replaced by A.
Protein change: p.Ala1266Thr; replaces alanine 1266 with threonine.
Molecular consequence: missense variant.
Genome position (GRCh38, 1-based): chr5:177,212,195, G>A. VCF-style: chr5-177212195-G-A. GRCh37 (hg19) VCF-style: chr5-176639196-G-A.
Other names: c.2923G>A, p.Ala975Thr (NM_001365684.2, NM_001409306.1, NM_001409307.1 and 3 more transcripts); c.3796G>A, p.Ala1266Thr (NM_001409301.1, NM_001409302.1, NM_001409303.1); c.3376G>A, p.Ala1126Thr (NM_001409304.1); c.3043G>A, p.Ala1015Thr (NM_001409305.1); short protein forms A1266T, A997T, A1015T, A975T, A1126T.
Identifiers: ClinVar variation 1215334 (VCV001215334.3), dbSNP rs2149849787, ClinGen allele CA362328103.

ClinVar aggregate classification (germline): Uncertain significance (1 of 4 stars; one submission).

Submission:

GeneDx
Classification: Uncertain significance. Last evaluated: 2021-02-17. Review status: criteria provided, single submitter. Criteria: GeneDx Variant Classification Process June 2021. Collection method: clinical testing. Allele origin: germline. Affected: yes.
Comment: Not observed in large population cohorts (Lek et al., 2016); In silico analysis, which includes protein predictors and evolutionary conservation, supports that this variant does not alter protein structure/function; Has not been previously published as pathogenic or benign to our knowledge